The following is an entry in ClinVar:

ClinVar aggregate classification (germline): Conflicting classifications of pathogenicity. Review status: criteria provided, conflicting classifications (1 of 4 stars). 4 submissions from 4 submitters: Uncertain significance (3); Likely benign (1). Last evaluated 2025-12-15.

Conditions:
Dyskeratosis congenita. Identifiers: Orphanet 1775, MedGen C0265965, MONDO:0015780.
Dyskeratosis congenita, autosomal dominant 2. Identifiers: MedGen C3151443, MONDO:0013521, OMIM 613989.
Idiopathic Pulmonary Fibrosis. Also called: Idiopathic fibrosing alveolitis, chronic form; idiopathic fibrosing alveolitis. Identifiers: Orphanet 2032, MedGen C1800706, MeSH D054990, MONDO:0800504.

Allele frequency attached by ClinVar (database versions not stated): ExAC below 0.00001; gnomAD exomes 0.00002; TOPMed 0.00003; gnomAD 0.00004 and 0.00005.
gnomAD v4.1: 31 of 1,552,206 alleles (0.002%); highest among the groups gnomAD compares: Middle Eastern, 0.021%; no homozygotes.

Submissions (4):

Labcorp Genetics (formerly Invitae), Labcorp
Classification: Likely benign for Dyskeratosis congenita, autosomal dominant 2; Idiopathic Pulmonary Fibrosis. Last evaluated: 2025-12-15. Review status: criteria provided, single submitter. Criteria: Invitae Variant Classification Sherloc (09022015). Collection method: clinical testing. Allele origin: germline.

Ambry Genetics
Classification: Uncertain significance for Dyskeratosis congenita. Last evaluated: 2025-05-21. Review status: criteria provided, single submitter. Criteria: Ambry Variant Classification Scheme 2023. Collection method: clinical testing. Allele origin: germline.
Comment: The p.A670V variant (also known as c.2009C>T), located in coding exon 5 of the TERT gene, results from a C to T substitution at nucleotide position 2009. The alanine at codon 670 is replaced by valine, an amino acid with similar properties. This amino acid position is not well conserved in available vertebrate species. In addition, the in silico prediction for this alteration is inconclusive. Based on the available evidence, the clinical significance of this variant remains unclear.

St. Jude Molecular Pathology, St. Jude Children's Research Hospital
Classification: Uncertain significance for Dyskeratosis congenita, autosomal dominant 2. Last evaluated: 2024-05-15. Review status: criteria provided, single submitter. Criteria: St. Jude Assertion Criteria 2020. Collection method: clinical testing. Allele origin: germline.
Comment: The TERT c.2009C>T (p.Ala670Val) missense change has a maximum subpopulation frequency of 0.0044% in gnomAD v2.1.1. The in silico tool REVEL predicts a benign effect on protein function, but this prediction has not been confirmed by functional studies. This variant has not been reported in individuals with dyskeratosis congenita. In summary, the evidence currently available is insufficient to determine the clinical significance of this variant. It has therefore been classified as of uncertain significance.

GeneDx
Classification: Uncertain significance. Last evaluated: 2023-08-01. Review status: criteria provided, single submitter. Criteria: GeneDx Variant Classification Process June 2021. Collection method: clinical testing. Allele origin: germline. Affected: yes.
Comment: In silico analysis supports that this missense variant does not alter protein structure/function; Has not been previously published as pathogenic or benign to our knowledge

NM_198253.3(TERT):c.2009C>T (p.Ala670Val)

Gene: TERT (telomerase reverse transcriptase; minus strand). Cytogenetic location: 5p15.33.
Variant type: single nucleotide variant.
Coding change: c.2009C>T on transcript NM_198253.3 (MANE Select); coding-DNA position 2009, C replaced by T.
Protein change: p.Ala670Val; replaces alanine 670 with valine.
Molecular consequence: missense variant. On other transcripts: non-coding transcript variant (2).
Genome position (GRCh38, 1-based): chr5:1,279,412, G>A on the plus strand (C>T on the coding strand, the complement: TERT is on the minus strand). VCF-style: chr5-1279412-G-A. GRCh37 (hg19) VCF-style: chr5-1279527-G-A.
Other names: c.2009C>T, p.Ala670Val (NM_001193376.3); short protein forms A670V.
Identifiers: ClinVar variation 651056 (VCV000651056.11), dbSNP rs767382450, ClinGen allele CA3184689.